The following is an entry in ClinVar:

ClinVar aggregate classification (germline): Uncertain significance. Review status: criteria provided, multiple submitters, no conflicts (2 of 4 stars). 2 submissions from 2 submitters: Uncertain significance (2). Last evaluated 2021-11-14.

Conditions:
Usher syndrome type 2C. Also called: Usher syndrome, type 2B; USHER SYNDROME, TYPE IIC. Identifiers: Orphanet 231178, Orphanet 886, MedGen C2931213, MONDO:0011558, OMIM 605472.

Allele frequency attached by ClinVar (database versions not stated): gnomAD exomes below 0.00001; ExAC 0.00001.
gnomAD v4.1: 2 of 1,613,852 alleles (0.00012%); highest among the groups gnomAD compares: East Asian, 0.0022%; no homozygotes.

Submissions (2):

Labcorp Genetics (formerly Invitae), Labcorp
Classification: Uncertain significance. Last evaluated: 2021-11-14. Review status: criteria provided, single submitter. Criteria: Invitae Variant Classification Sherloc (09022015). Collection method: clinical testing. Allele origin: germline.
Comment: This sequence change replaces proline, which is neutral and non-polar, with leucine, which is neutral and non-polar, at codon 2028 of the ADGRV1 protein (p.Pro2028Leu). This variant is present in population databases (rs764451392, gnomAD 0.006%). This variant has not been reported in the literature in individuals affected with ADGRV1-related conditions. ClinVar contains an entry for this variant (Variation ID: 905763). Algorithms developed to predict the effect of missense changes on protein structure and function are either unavailable or do not agree on the potential impact of this missense change (SIFT: "Deleterious"; PolyPhen-2: "Benign"; Align-GVGD: "Class C0"). In summary, the available evidence is currently insufficient to determine the role of this variant in disease. Therefore, it has been classified as a Variant of Uncertain Significance.

Illumina Laboratory Services, Illumina
Classification: Uncertain significance for Usher syndrome type 2C. Last evaluated: 2018-01-13. Review status: criteria provided, single submitter. Criteria: ICSL Variant Classification Criteria 13 December 2019. Collection method: clinical testing. Allele origin: germline.

NM_032119.4(ADGRV1):c.6083C>T (p.Pro2028Leu)

Gene: ADGRV1 (adhesion G protein-coupled receptor V1; plus strand). Cytogenetic location: 5q14.3.
Variant type: single nucleotide variant.
Coding change: c.6083C>T on transcript NM_032119.4 (MANE Select); coding-DNA position 6083, C replaced by T.
Protein change: p.Pro2028Leu; replaces proline 2028 with leucine.
Molecular consequence: missense variant. On other transcripts: non-coding transcript variant (1).
Genome position (GRCh38, 1-based): chr5:90,684,004, C>T. VCF-style: chr5-90684004-C-T. GRCh37 (hg19) VCF-style: chr5-89979821-C-T.
Other names: short protein forms P2028L.
Identifiers: ClinVar variation 905763 (VCV000905763.9), dbSNP rs764451392, ClinGen allele CA3339705.